The following is an entry in ClinVar:

ClinVar aggregate classification (germline): Benign. Review status: criteria provided, single submitter (1 of 4 stars). 2 submissions from 2 submitters: Benign (1). 1 of the submissions does not count toward it. Last evaluated 2020-09-16.

Conditions:
CTNND2-related disorder. Also called: CTNND2-related condition.

Allele frequency attached by ClinVar (database versions not stated): gnomAD exomes 0.00018; 1000 Genomes Project 0.00020; ExAC 0.00024; 1000 Genomes Project 30x 0.00031; gnomAD 0.00057 and 0.00066; TOPMed 0.00060; ESP Exome Variant Server 0.00146.
gnomAD v4.1: 194 of 1,601,520 alleles (0.012%); highest among the groups gnomAD compares: African/African-American, 0.22%; no homozygotes.

Submissions (3):

GeneDx
Classification: Benign. Last evaluated: 2020-09-16. Review status: criteria provided, single submitter. Criteria: GeneDx Variant Classification Process June 2021. Collection method: clinical testing. Allele origin: germline. Affected: yes.

PreventionGenetics, part of Exact Sciences
Classification: Likely benign for CTNND2-related condition. Last evaluated: 2024-01-08. Review status: no assertion criteria provided. Collection method: clinical testing. Allele origin: germline. Not counted in ClinVar's aggregate classification.
Comment: This variant is classified as likely benign based on ACMG/AMP sequence variant interpretation guidelines (Richards et al. 2015 PMID: 25741868, with internal and published modifications).

Dr. Peter K. Rogan Lab, Western University
No classification provided (evidence only). Condition: Uterine corpus endometrial carcinoma. Review status: no classification provided. Collection method: in vitro. Allele origin: not applicable. Functional consequence: retained intron. Not counted in ClinVar's aggregate classification.

NM_001332.4(CTNND2):c.2001C>T (p.Cys667=)

Gene: CTNND2 (catenin delta 2; minus strand). Cytogenetic location: 5p15.2.
Variant type: single nucleotide variant.
Coding change: c.2001C>T on transcript NM_001332.4 (MANE Select); coding-DNA position 2001, C replaced by T.
Protein change: p.Cys667=; no amino-acid change (cysteine 667 retained).
Molecular consequence: synonymous variant. On other transcripts: non-coding transcript variant (1).
Genome position (GRCh38, 1-based): chr5:11,159,734, G>A on the plus strand (C>T on the coding strand, the complement: CTNND2 is on the minus strand). VCF-style: chr5-11159734-G-A. GRCh37 (hg19) VCF-style: chr5-11159846-G-A.
Other names: NC_000005.9:g.11159846G>A; c.1728C>T, p.Cys576= (NM_001288715.1); c.990C>T, p.Cys330= (NM_001288716.1, NM_001364128.2); c.702C>T, p.Cys234= (NM_001288717.2); c.2001C>T (NM_001332.3).
Identifiers: ClinVar variation 1287734 (VCV001287734.4), dbSNP rs149766664, ClinGen allele CA3200729.
Genomic context (GRCh38, chr5:11,159,734, plus strand): 5'-AATCACCGCGTTGGTCAGTACTGCTAGGGCATCCTGGATGATTGGCATTTTGAGTGCATC[G>A]CATGAGGAGAGGTTCCAAAGGACTCCTGCAAGAGACACACAAAAAGAGGTTTTGGGTGGC-3'
Protein context (NP_001323.1, residues 657-677): VTGVLWNLSS[Cys667=]DALKMPIIQD